The following is an entry in ClinVar:

NM_001267550.2(TTN):c.29440G>T (p.Gly9814Ter)

Gene: TTN (titin; minus strand). Cytogenetic location: 2q31.2.
Variant type: single nucleotide variant.
Coding change: c.29440G>T on transcript NM_001267550.2 (MANE Select); coding-DNA position 29440, G replaced by T.
Protein change: p.Gly9814Ter; replaces glycine 9814 with a stop codon.
Molecular consequence: nonsense. On other transcripts: intron variant (3).
Genome position (GRCh38, 1-based): chr2:178,705,338, C>A on the plus strand (G>T on the coding strand, the complement: TTN is on the minus strand). VCF-style: chr2-178705338-C-A. GRCh37 (hg19) VCF-style: chr2-179570065-C-A.
Other names: c.28489G>T, p.Gly9497Ter (NM_001256850.1); c.25708G>T, p.Gly8570Ter (NM_133378.4); c.13282+32744G>T (NM_003319.4); c.13858+32744G>T (NM_133437.4); c.13657+32744G>T (NM_133432.3); short protein forms G9497*, G9814*, G8570*.
Identifiers: ClinVar variation 2030946 (VCV002030946.4), dbSNP rs1366790953, ClinGen allele CA349580679.

ClinVar aggregate classification (germline): Likely pathogenic (1 of 4 stars; one submission).

Conditions:
Dilated cardiomyopathy 1G (CMD1G). Identifiers: Orphanet 154, MedGen C1858763, MONDO:0011400, OMIM 604145.
Autosomal recessive limb-girdle muscular dystrophy type 2J (LGMDR10). Also called: Limb-girdle muscular dystrophy, type 2J; MUSCULAR DYSTROPHY, LIMB-GIRDLE, AUTOSOMAL RECESSIVE 10. Identifiers: Orphanet 140922, MedGen C1837342, MONDO:0012127, OMIM 608807.

Submission:

Labcorp Genetics (formerly Invitae), Labcorp
Classification: Likely pathogenic for Dilated cardiomyopathy 1G; Autosomal recessive limb-girdle muscular dystrophy type 2J. Last evaluated: 2024-10-18. Review status: criteria provided, single submitter. Criteria: Invitae Variant Classification Sherloc (09022015). Collection method: clinical testing. Allele origin: germline.
Comment: This sequence change creates a premature translational stop signal (p.Gly9814*) in the TTN gene. While this is not anticipated to result in nonsense mediated decay, it is expected to create a truncated TTN protein. This variant is not present in population databases (gnomAD no frequency). This variant has not been reported in the literature in individuals affected with TTN-related conditions. ClinVar contains an entry for this variant (Variation ID: 2030946). This variant is located in the I band of TTN (PMID: 25589632). Truncating variants in this region have been reported in individuals affected with autosomal recessive centronuclear myopathy (PMID: 23975875, internal data). Truncating variants in this region have also been identified in individuals affected with autosomal dominant dilated cardiomyopathy and/or cardio-related conditions (PMID: 27869827, 32964742, internal data). In summary, the currently available evidence indicates that the variant is pathogenic, but additional data are needed to prove that conclusively. Therefore, this variant has been classified as Likely Pathogenic.

Literature cited by the submitters: PubMed 25589632; PubMed 23975875; PubMed 27869827; PubMed 32964742.